The following is an entry in ClinVar:

NM_000038.6(APC):c.6911C>G (p.Ser2304Cys)

Gene: APC (APC regulator of Wnt signaling pathway; plus strand). Cytogenetic location: 5q22.2.
Variant type: single nucleotide variant.
Coding change: c.6911C>G on transcript NM_000038.6 (MANE Select); coding-DNA position 6911, C replaced by G.
Protein change: p.Ser2304Cys; replaces serine 2304 with cysteine.
Molecular consequence: missense variant.
Genome position (GRCh38, 1-based): chr5:112,842,505, C>G. VCF-style: chr5-112842505-C-G. GRCh37 (hg19) VCF-style: chr5-112178202-C-G.
Other names: c.6911C>G, p.Ser2304Cys (NM_001127510.3, NM_001354895.2); c.6857C>G, p.Ser2286Cys (NM_001127511.3); c.6965C>G, p.Ser2322Cys (NM_001354896.2); c.6941C>G, p.Ser2314Cys (NM_001354897.2); c.6836C>G, p.Ser2279Cys (NM_001354898.2); c.6827C>G, p.Ser2276Cys (NM_001354899.2); c.6788C>G, p.Ser2263Cys (NM_001354900.2); c.6734C>G, p.Ser2245Cys (NM_001354901.2); and 5 more; short protein forms S2144C, S2213C, S2245C, S2322C, S2021C, S2178C, S2276C, S2304C.
Identifiers: ClinVar variation 1414479 (VCV001414479.10), dbSNP rs2149976074, ClinGen allele CA16036408.
Genomic context (GRCh38, chr5:112,842,505, plus strand): 5'-CTGTTGCCAGGCAGACATCCCAAATAGGTGGGTCAAGTAAAGCACCTTCTAGATCAGGAT[C>G]TAGAGATTCGACCCCTTCAAGACCTGCCCAGCAACCATTAAGTAGACCTATACAGTCTCC-3'
Protein context (NP_000029.2, residues 2294-2314): GSSKAPSRSG[Ser2304Cys]RDSTPSRPAQ

ClinVar aggregate classification (germline): Uncertain significance. Review status: criteria provided, multiple submitters, no conflicts (2 of 4 stars). 2 submissions from 2 submitters: Uncertain significance (2). Last evaluated 2022-12-20.

Conditions:
Familial adenomatous polyposis 1 (FAP1). Also called: POLYPOSIS, ADENOMATOUS INTESTINAL; FAMILIAL ADENOMATOUS POLYPOSIS 1, ATTENUATED. Identifiers: MedGen C2713442, MONDO:0021056, OMIM 175100. Disease mechanism: loss of function.
Hereditary cancer-predisposing syndrome. Also called: Hereditary Cancer Syndrome; Tumor predisposition; Hereditary neoplastic syndrome; Neoplastic Syndromes, Hereditary. Identifiers: Orphanet 140162, MedGen C0027672, MeSH D009386, MONDO:0015356.

Submissions (2):

Labcorp Genetics (formerly Invitae), Labcorp
Classification: Uncertain significance for Familial adenomatous polyposis 1. Last evaluated: 2022-12-20. Review status: criteria provided, single submitter. Criteria: Invitae Variant Classification Sherloc (09022015). Collection method: clinical testing. Allele origin: germline.
Comment: In summary, the available evidence is currently insufficient to determine the role of this variant in disease. Therefore, it has been classified as a Variant of Uncertain Significance. Advanced modeling of protein sequence and biophysical properties (such as structural, functional, and spatial information, amino acid conservation, physicochemical variation, residue mobility, and thermodynamic stability) performed at Invitae indicates that this missense variant is not expected to disrupt APC protein function. ClinVar contains an entry for this variant (Variation ID: 1414479). This variant has not been reported in the literature in individuals affected with APC-related conditions. This variant is not present in population databases (gnomAD no frequency). This sequence change replaces serine, which is neutral and polar, with cysteine, which is neutral and slightly polar, at codon 2304 of the APC protein (p.Ser2304Cys).

Ambry Genetics
Classification: Uncertain significance for Hereditary cancer-predisposing syndrome. Last evaluated: 2022-06-04. Review status: criteria provided, single submitter. Criteria: Ambry Variant Classification Scheme 2023. Collection method: clinical testing. Allele origin: germline.
Comment: The p.S2304C variant (also known as c.6911C>G), located in coding exon 15 of the APC gene, results from a C to G substitution at nucleotide position 6911. The serine at codon 2304 is replaced by cysteine, an amino acid with dissimilar properties. This amino acid position is conserved. In addition, in silico predictors for this gene do not accurately predict pathogenicity. Since supporting evidence is limited at this time, the clinical significance of this alteration remains unclear.